The following is an entry in ClinVar:

NM_001127222.2(CACNA1A):c.3868G>C (p.Glu1290Gln)

Gene: CACNA1A (calcium voltage-gated channel subunit alpha1 A; minus strand). Cytogenetic location: 19p13.13.
Variant type: single nucleotide variant.
Coding change: c.3868G>C on transcript NM_001127222.2 (MANE Select); coding-DNA position 3868, G replaced by C.
Protein change: p.Glu1290Gln; replaces glutamic acid 1290 with glutamine.
Molecular consequence: missense variant.
Genome position (GRCh38, 1-based): chr19:13,277,083, C>G on the plus strand (G>C on the coding strand, the complement: CACNA1A is on the minus strand). VCF-style: chr19-13277083-C-G. GRCh37 (hg19) VCF-style: chr19-13387897-C-G.
Other names: c.3880G>C, p.Glu1294Gln (NM_000068.4, NM_023035.3); c.3871G>C, p.Glu1291Gln (NM_001127221.2, NM_001174080.2); short protein forms E1290Q, E1291Q, E1294Q.
Identifiers: ClinVar variation 1702618 (VCV001702618.2), dbSNP rs2144839606, ClinGen allele CA404340412.

ClinVar aggregate classification (germline): Uncertain significance (1 of 4 stars; one submission).

Submission:

GeneDx
Classification: Uncertain significance. Last evaluated: 2022-02-20. Review status: criteria provided, single submitter. Criteria: GeneDx Variant Classification Process June 2021. Collection method: clinical testing. Allele origin: germline. Affected: yes.
Comment: Not observed at significant frequency in large population cohorts (gnomAD); In silico analysis supports that this missense variant has a deleterious effect on protein structure/function; Has not been previously published as pathogenic or benign to our knowledge